The following is an entry in ClinVar:

NM_000444.6(PHEX):c.436+4A>G

Gene: PHEX (phosphate regulating endopeptidase X-linked; plus strand). Cytogenetic location: Xp22.11.
Variant type: single nucleotide variant.
Coding change: c.436+4A>G on transcript NM_000444.6 (MANE Select); 4 bases into the intron after coding-DNA position 436, A replaced by G.
Molecular consequence: intron variant.
Genome position (GRCh38, 1-based): chrX:22,076,478, A>G. VCF-style: chrX-22076478-A-G. GRCh37 (hg19) VCF-style: chrX-22094596-A-G.
Other names: c.436+4A>G (NM_001282754.2).
Identifiers: ClinVar variation 378358 (VCV000378358.15), dbSNP rs1057520344, ClinGen allele CA16609165.

ClinVar aggregate classification (germline): Conflicting classifications of pathogenicity. Review status: criteria provided, conflicting classifications (1 of 4 stars). 3 submissions from 3 submitters: Pathogenic (1); Likely pathogenic (1); Uncertain significance (1). Last evaluated 2024-01-12.

Conditions:
Familial X-linked hypophosphatemic vitamin D refractory rickets (XLHRD). Also called: Hypophosphatemia, vitamin D-resistant rickets; Vitamin D-resistant rickets, X-linked; X-Linked Hypophosphatemia; Hypophosphatemic Rickets, X-Linked Dominant; HYPOPHOSPHATEMIC VITAMIN D-RESISTANT RICKETS. Identifiers: Orphanet 89936, MedGen C0733682, MONDO:0010619, OMIM 307800.

Submissions (3):

Genomic Medicine Center of Excellence, King Faisal Specialist Hospital and Research Centre
Classification: Likely pathogenic for Familial X-linked hypophosphatemic vitamin D refractory rickets. Last evaluated: 2024-01-12. Review status: criteria provided, single submitter. Criteria: ACMG Guidelines, 2015. Collection method: clinical testing. Allele origin: germline.

Labcorp Genetics (formerly Invitae), Labcorp
Classification: Pathogenic. Last evaluated: 2022-11-15. Review status: criteria provided, single submitter. Criteria: Invitae Variant Classification Sherloc (09022015). Collection method: clinical testing. Allele origin: germline.
Comment: This sequence change falls in intron 4 of the PHEX gene. It does not directly change the encoded amino acid sequence of the PHEX protein. It affects a nucleotide within the consensus splice site. This variant is not present in population databases (gnomAD no frequency). This variant has been observed in individual(s) with clinical features of hypophosphatemic rickets (Invitae). ClinVar contains an entry for this variant (Variation ID: 378358). Variants that disrupt the consensus splice site are a relatively common cause of aberrant splicing (PMID: 17576681, 9536098). Algorithms developed to predict the effect of sequence changes on RNA splicing suggest that this variant may disrupt the consensus splice site. For these reasons, this variant has been classified as Pathogenic.

GeneDx
Classification: Uncertain significance. Last evaluated: 2016-01-20. Review status: criteria provided, single submitter. Criteria: GeneDx Variant Classification (06012015). Collection method: clinical testing. Allele origin: germline. Affected: yes.
Comment: The c.436+4 A>G variant has not been published as a pathogenic variant, nor has it been reported as a benign variant to our knowledge. The variant was not observed in approximately 6,500 individuals of European and African American ancestry in the NHLBI Exome Sequencing Project, indicating it is not a common benign variant in these populations. Several in-silico splice prediction models predict that c.436+4 A>G creates a cryptic donor site which may supplant the natural donor site and lead to abnormal gene splicing. However, in the absence of RNA/functional studies, the actual effect of this sequence change in this individual is unknown. Therefore, based on the currently available information, it is unclear whether this variant is a pathogenic variant or a rare benign variant.

Literature cited by the submitters: PubMed 17576681 (cited by Labcorp Genetics (formerly Invitae), Labcorp); PubMed 9536098 (cited by Labcorp Genetics (formerly Invitae), Labcorp).